The following is an entry in ClinVar:

NM_020778.5(ALPK3):c.1036_1039dup (p.Pro347fs)

Gene: ALPK3 (alpha kinase 3; plus strand). Cytogenetic location: 15q25.3.
Variant type: Duplication.
Coding change: c.1036_1039dup on transcript NM_020778.5 (MANE Select); coding-DNA positions 1036 to 1039, 4 bases duplicated (ATCC; older notation c.1036_1039dupATCC).
Protein change: p.Pro347fs; shifts the reading frame from proline 347.
Molecular consequence: frameshift variant.
Genome position (GRCh38, 1-based): chr15:84,840,315-84,840,318, ATCC duplicated; duplicating any 4 consecutive bases within chr15:84,840,314-84,840,318 gives the same sequence; the c. name uses the placement nearest the transcript's 3' end. VCF-style (leftmost placement, unchanged base first): chr15-84840313-G-GCATC. GRCh37 (hg19) VCF-style: chr15-85383544-G-GCATC.
Other names: c.1036_1039dupATCC (NM_020778.5); short protein forms P347fs.
Identifiers: ClinVar variation 2581693 (VCV002581693.4), dbSNP rs2505705877, ClinGen allele CA2582342626.

ClinVar aggregate classification (germline): Pathogenic. Review status: criteria provided, multiple submitters, no conflicts (2 of 4 stars). 2 submissions from 2 submitters: Pathogenic (2). Last evaluated 2023-10-23.

Conditions:
Cardiomyopathy (CMYO). Also called: Cardiomyopathies. Identifiers: Orphanet 167848, MedGen C0878544, MONDO:0004994, HP:0001638. Inheritance: Various modes of inheritance.

Submissions (2):

Labcorp Genetics (formerly Invitae), Labcorp
Classification: Pathogenic. Last evaluated: 2023-10-23. Review status: criteria provided, single submitter. Criteria: Invitae Variant Classification Sherloc (09022015). Collection method: clinical testing. Allele origin: germline.
Comment: This sequence change creates a premature translational stop signal (p.Pro549Hisfs*8) in the ALPK3 gene. It is expected to result in an absent or disrupted protein product. Loss-of-function variants in ALPK3 are known to be pathogenic (PMID: 21441111, 26846950, 27106955, 34263907). This variant is not present in population databases (gnomAD no frequency). This variant has not been reported in the literature in individuals affected with ALPK3-related conditions. For these reasons, this variant has been classified as Pathogenic.

Women's Health and Genetics/Laboratory Corporation of America, LabCorp
Classification: Pathogenic for Cardiomyopathy. Last evaluated: 2023-08-14. Review status: criteria provided, single submitter. Criteria: LabCorp Variant Classification Summary - May 2015. Collection method: clinical testing. Allele origin: germline.
Comment: Variant summary: ALPK3 c.1036_1039dupATCC (p.Pro347HisfsX8) results in a premature termination codon, predicted to cause a truncation of the encoded protein or absence of the protein due to nonsense mediated decay, which are commonly known mechanisms for disease. The variant was absent in 250662 control chromosomes. To our knowledge, no occurrence of c.1036_1039dupATCC in individuals affected with Cardiomyopathy and no experimental evidence demonstrating its impact on protein function have been reported. No submitters have cited clinical-significance assessments for this variant to ClinVar after 2014. Based on the evidence outlined above, the variant was classified as pathogenic.

Literature cited by the submitters: PubMed 21441111 (cited by Labcorp Genetics (formerly Invitae), Labcorp); PubMed 26846950 (cited by Labcorp Genetics (formerly Invitae), Labcorp); PubMed 27106955 (cited by Labcorp Genetics (formerly Invitae), Labcorp); PubMed 34263907 (cited by Labcorp Genetics (formerly Invitae), Labcorp).